The following is an entry in ClinVar:

NM_020964.3(EPG5):c.722G>A (p.Arg241Gln)

Gene: EPG5 (ectopic P-granules 5 autophagy tethering factor; minus strand). Cytogenetic location: 18q21.1.
Variant type: single nucleotide variant.
Coding change: c.722G>A on transcript NM_020964.3 (MANE Select); coding-DNA position 722, G replaced by A.
Protein change: p.Arg241Gln; replaces arginine 241 with glutamine.
Molecular consequence: missense variant.
Genome position (GRCh38, 1-based): chr18:45,954,680, C>T on the plus strand (G>A on the coding strand, the complement: EPG5 is on the minus strand). VCF-style: chr18-45954680-C-T. GRCh37 (hg19) VCF-style: chr18-43534646-C-T.
Other names: c.722G>A, p.Arg241Gln (NM_001410858.1, NM_001410859.1); short protein forms R241Q.
Identifiers: ClinVar variation 2046634 (VCV002046634.1), dbSNP rs369316500, ClinGen allele CA8949899.

ClinVar aggregate classification (germline): Uncertain significance (1 of 4 stars; one submission).

Conditions:
Vici syndrome (VICIS). Identifiers: Orphanet 1493, MedGen C1855772, MONDO:0009452, OMIM 242840.

Allele frequency attached by ClinVar (database versions not stated): gnomAD exomes below 0.00001; gnomAD 0.00001; TOPMed 0.00001; ExAC 0.00002; ESP Exome Variant Server 0.00008.

Submission:

Labcorp Genetics (formerly Invitae), Labcorp
Classification: Uncertain significance for Vici syndrome. Last evaluated: 2022-06-14. Review status: criteria provided, single submitter. Criteria: Invitae Variant Classification Sherloc (09022015). Collection method: clinical testing. Allele origin: germline.
Comment: This sequence change replaces arginine, which is basic and polar, with glutamine, which is neutral and polar, at codon 241 of the EPG5 protein (p.Arg241Gln). This variant is present in population databases (rs369316500, gnomAD 0.003%). This variant has not been reported in the literature in individuals affected with EPG5-related conditions. Algorithms developed to predict the effect of missense changes on protein structure and function are either unavailable or do not agree on the potential impact of this missense change (SIFT: "Tolerated"; PolyPhen-2: "Probably Damaging"; Align-GVGD: "Class C0"). In summary, the available evidence is currently insufficient to determine the role of this variant in disease. Therefore, it has been classified as a Variant of Uncertain Significance.